The following is an entry in ClinVar:

NM_017780.4(CHD7):c.5099C>G (p.Ala1700Gly)

Gene: CHD7 (chromodomain helicase DNA binding protein 7; plus strand). Cytogenetic location: 8q12.2.
Variant type: single nucleotide variant.
Coding change: c.5099C>G on transcript NM_017780.4 (MANE Select); coding-DNA position 5099, C replaced by G.
Protein change: p.Ala1700Gly; replaces alanine 1700 with glycine.
Molecular consequence: missense variant. On other transcripts: intron variant (1).
Genome position (GRCh38, 1-based): chr8:60,845,298, C>G. VCF-style: chr8-60845298-C-G. GRCh37 (hg19) VCF-style: chr8-61757857-C-G.
Other names: c.1717-16931C>G (NM_001316690.1); short protein forms A1700G.
Identifiers: ClinVar variation 4810025 (VCV004810025.1).

ClinVar aggregate classification (germline): Uncertain significance (1 of 4 stars; one submission).

Conditions:
CHARGE syndrome (CHARGE). Also called: Hittner Hirsch Kreh syndrome; CHARGE ASSOCIATION--COLOBOMA, HEART ANOMALY, CHOANAL ATRESIA, RETARDATION, GENITAL AND EAR ANOMALIES; Coloboma, heart anomaly, choanal atresia, retardation, genital and ear anomalies; CHARGE association; Hall-Hittner syndrome. Identifiers: Orphanet 138, MedGen C0265354, MONDO:0008965.

Submission:

Labcorp Genetics (formerly Invitae), Labcorp
Classification: Uncertain significance for CHARGE syndrome. Last evaluated: 2025-06-11. Review status: criteria provided, single submitter. Criteria: Invitae Variant Classification Sherloc (09022015). Collection method: clinical testing. Allele origin: germline.
Comment: This sequence change replaces alanine, which is neutral and non-polar, with glycine, which is neutral and non-polar, at codon 1700 of the CHD7 protein (p.Ala1700Gly). This variant is not present in population databases (gnomAD no frequency). This variant has not been reported in the literature in individuals affected with CHD7-related conditions. Invitae Evidence Modeling of protein sequence and biophysical properties (such as structural, functional, and spatial information, amino acid conservation, physicochemical variation, residue mobility, and thermodynamic stability) indicates that this missense variant is not expected to disrupt CHD7 protein function with a negative predictive value of 95%. In summary, the available evidence is currently insufficient to determine the role of this variant in disease. Therefore, it has been classified as a Variant of Uncertain Significance.